The following is an entry in ClinVar:

ClinVar aggregate classification (germline): Uncertain significance (1 of 4 stars; one submission).

Conditions:
Hereditary sensory and autonomic neuropathy type 7. Also called: HSAN VII; Neuropathy, hereditary sensory and autonomic, type VII. Identifiers: Orphanet 391397, MedGen C3809882, MONDO:0014244, OMIM 615548.
Familial episodic pain syndrome with predominantly lower limb involvement. Also called: Episodic pain syndrome, familial, 3. Identifiers: Orphanet 391384, Orphanet 391392, MedGen C3809899, MONDO:0014247, OMIM 615552.

Allele frequency attached by ClinVar (database versions not stated): gnomAD exomes below 0.00001.
gnomAD v4.1: 2 of 1,566,336 alleles (0.00013%); highest among the groups gnomAD compares: Non-Finnish European, 0.000087%; no homozygotes.

Submission:

Labcorp Genetics (formerly Invitae), Labcorp
Classification: Uncertain significance for Familial episodic pain syndrome with predominantly lower limb involvement; Hereditary sensory and autonomic neuropathy type 7. Last evaluated: 2020-07-09. Review status: criteria provided, single submitter. Criteria: Invitae Variant Classification Sherloc (09022015). Collection method: clinical testing. Allele origin: germline.
Comment: In summary, the available evidence is currently insufficient to determine the role of this variant in disease. Therefore, it has been classified as a Variant of Uncertain Significance. Algorithms developed to predict the effect of missense changes on protein structure and function (SIFT, PolyPhen-2, Align-GVGD) all suggest that this variant is likely to be tolerated, but these predictions have not been confirmed by published functional studies and their clinical significance is uncertain. This variant has not been reported in the literature in individuals with SCN11A-related conditions. This variant is not present in population databases (ExAC no frequency). This sequence change replaces serine with isoleucine at codon 132 of the SCN11A protein (p.Ser132Ile). The serine residue is weakly conserved and there is a large physicochemical difference between serine and isoleucine.

NM_001349253.2(SCN11A):c.395G>T (p.Ser132Ile)

Gene: SCN11A (sodium voltage-gated channel alpha subunit 11; minus strand). Cytogenetic location: 3p22.2.
Variant type: single nucleotide variant.
Coding change: c.395G>T on transcript NM_001349253.2 (MANE Select); coding-DNA position 395, G replaced by T.
Protein change: p.Ser132Ile; replaces serine 132 with isoleucine.
Molecular consequence: missense variant.
Genome position (GRCh38, 1-based): chr3:38,945,504, C>A on the plus strand (G>T on the coding strand, the complement: SCN11A is on the minus strand). VCF-style: chr3-38945504-C-A. GRCh37 (hg19) VCF-style: chr3-38986995-C-A.
Other names: c.395G>T, p.Ser132Ile (NM_014139.3); short protein forms S132I.
Identifiers: ClinVar variation 1022815 (VCV001022815.5), dbSNP rs2066503521, ClinGen allele CA352175442.